The following is an entry in ClinVar:

NM_001134831.2(AHI1):c.2988del (p.Val997fs)

Gene: AHI1 (Abelson helper integration site 1; minus strand). Cytogenetic location: 6q23.3.
Variant type: Deletion.
Coding change: c.2988del on transcript NM_001134831.2 (MANE Select); coding-DNA position 2988, one base deleted (A; older notation c.2988delA).
Protein change: p.Val997fs; shifts the reading frame from valine 997.
Molecular consequence: frameshift variant.
Genome position (GRCh38, 1-based): chr6:135,404,951, T deleted on the plus strand (A on the coding strand, the reverse complement: AHI1 is on the minus strand); the first of 4 consecutive T bases (chr6:135,404,951-135,404,954); deleting any one gives the same sequence. VCF-style (leftmost placement, unchanged base first): chr6-135404950-CT-C. GRCh37 (hg19) VCF-style: chr6-135726088-CT-C.
Other names: c.2988del, p.Val997fs (NM_001134830.2, NM_001134832.2, NM_001350503.2 and 2 more transcripts); c.2988delA (NM_017651.4, NM_001134830.1, NM_017651.5); short protein forms V997fs.
Identifiers: ClinVar variation 280290 (VCV000280290.27), dbSNP rs755246809, ClinGen allele CA4012201.
Genomic context (GRCh38, chr6:135,404,950, plus strand): 5'-CAGTTCTTTGGAGCATCACTATACCTTTGAAGTTATCTTCCTGGTAATAAAAACTACTTA[CT>C]TTTGCAGCACAGGAACGTATCACCTCCTAAAAGAAATACAATAAAATAAGGAAGTATTCA-3'

ClinVar aggregate classification (germline): Conflicting classifications of pathogenicity. Review status: criteria provided, conflicting classifications (1 of 4 stars). 12 submissions from 12 submitters: Pathogenic (1); Likely pathogenic (3); Uncertain significance (6); Likely benign (1). 1 of the submissions does not count toward it. Last evaluated 2026-01-17.

Conditions:
AHI1-related disorder. Also called: AHI1-related condition.
Retinitis pigmentosa (RP). Identifiers: Orphanet 791, MedGen C0035334, MeSH D012174, MONDO:0019200, OMIM 268000. Inheritance: Autosomal dominant, autosomal recessive and X linked inheritance.
Joubert syndrome 3 (JBTS3). Also called: AHI1-related Ciliopathy. Identifiers: Orphanet 220493, MedGen C1837713, MONDO:0012078, OMIM 608629.
Joubert syndrome. Also called: Familial aplasia of the vermis; JOUBERT-BOLTSHAUSER SYNDROME. Identifiers: Orphanet 475, MedGen C5979921, MONDO:0018772.

Submissions (12):

Labcorp Genetics (formerly Invitae), Labcorp
Classification: Likely benign for Joubert syndrome. Last evaluated: 2026-01-17. Review status: criteria provided, single submitter. Criteria: Invitae Variant Classification Sherloc (09022015). Collection method: clinical testing. Allele origin: germline.

Women's Health and Genetics/Laboratory Corporation of America, LabCorp
Classification: Uncertain significance. Last evaluated: 2025-11-10. Review status: criteria provided, single submitter. Criteria: LabCorp Variant Classification Summary - May 2015. Collection method: clinical testing. Allele origin: germline.
Comment: Variant summary: AHI1 c.2988delA (p.Val997SerfsX20) results in a premature termination codon, predicted to cause a truncation of the encoded protein or absence of the protein due to nonsense mediated decay, which are commonly known mechanisms for disease. The variant allele was found at a frequency of 0.00059 in 248166 control chromosomes, predominantly at a frequency of 0.0048 within the South Asian subpopulation in the gnomAD database, including 1 homozygotes. The observed variant frequency within South Asian control individuals in the gnomAD database exceeds the estimated maximal expected allele frequency for disease-causing variants in AHI1. Furthermore, this variant is flagged as an annotation of dubious quality in the gnomAD database due to its presence in an exon that does not exhibit a pattern of conservation typical or a protein coding exon (PHYLOCSF_WEAK code in the gnomAD data). c.2988delA has been reported in the literature among numerous sequencing studies of individuals with a range of phenotypes overlapping the spectrum of Joubert Syndrome And Related Disorders (example, Inherited Retinal Disease, Carss_2017, Lin_2024). The following publications have been ascertained in the context of this evaluation (PMID: 28041643, 34191236, 38219857, 32581362, 29263181, 26940866, 33879512, 31980526, 31589614, 31964843, 25133751, 33502066). ClinVar contains an entry for this variant (Variation ID: 280290). Based on the evidence outlined above, the variant was classified as uncertain significance.

PreventionGenetics, part of Exact Sciences
Classification: Uncertain significance for AHI1-related condition. Last evaluated: 2025-09-03. Review status: criteria provided, single submitter. Criteria: ACMG Guidelines, 2015. Collection method: clinical testing. Allele origin: germline.
Comment: The AHI1 c.2988delA variant is predicted to result in a frameshift and premature protein termination (Val997Serfs*20). This variant has been reported, along with an AHI1 nonsense variant, in individuals with retinal disease (Table S2: patient G001044, Carss et al. 2017. PubMed ID: 28041643; supplementary data, Lin et al. 2024. PubMed ID: 38219857; supplementary data, Turro et al. 2020. PubMed ID: 32581362). This variant was also found, in the heterozygous state with no second possible causative variant in the same gene, in an individual with likely retinal dystrophy (supplementary data, Molina-Ramirez et al. 2021. PubMed ID: 33879512). This variant is reported in 0.48% of alleles in individuals of South Asian descent in gnomAD, including one homozygote. This variant is interpreted in the ClinVar database with conflicting interpretations by other laboratories ranging from likely benign to pathogenic. At this time, the clinical significance of this variant is uncertain due to the absence of conclusive functional and genetic evidence.

First Genomix Gene Laboratory, Genetic Diagnostics Department
Classification: Likely pathogenic for Joubert syndrome 3. Last evaluated: 2025-01-10. Review status: criteria provided, single submitter. Criteria: ACMG Guidelines, 2015. Collection method: clinical testing. Allele origin: germline. Inheritance: Autosomal recessive inheritance. Affected: no. Observed: 1 variant allele.

Genomic Medicine Center of Excellence, King Faisal Specialist Hospital and Research Centre
Classification: Likely pathogenic for Joubert syndrome 3. Last evaluated: 2024-09-22. Review status: criteria provided, single submitter. Criteria: ACMG Guidelines, 2015. Collection method: clinical testing. Allele origin: germline.

Fulgent Genetics
Classification: Uncertain significance for Joubert syndrome 3. Last evaluated: 2024-05-21. Review status: criteria provided, single submitter. Criteria: ACMG Guidelines, 2015. Collection method: clinical testing. Allele origin: germline.

Blueprint Genetics
Classification: Uncertain significance. Last evaluated: 2024-05-06. Review status: criteria provided, single submitter. Criteria: ACMG Guidelines, 2015. Collection method: clinical testing. Allele origin: germline.

Laboratory for Molecular Medicine, Mass General Brigham Personalized Medicine
Classification: Uncertain significance. Last evaluated: 2020-07-13. Review status: criteria provided, single submitter. Criteria: LMM Criteria. Collection method: clinical testing. Allele origin: germline. Observed: 1 variant allele.
Comment: The p.Val997SerfsX20 variant in AHI1 has been reported in 1 compound heterozygous individual with Retinitis pigmentosa (Carss 2017 PMID: 28041643). It has also been identified in 0.478% (146/30560) of East Asian chromosomes, including one homozgyous observation, by gnomAD, which is too common for the rarity and severity of Joubert syndrome. This variant is also reported in ClinVar (Variation ID: 280290). This variant is predicted to cause a frameshift, which alters the proteinâ€™s amino acid sequence beginning at position 997 and leads to a premature termination codon 20 amino acids downstream. This alteration is then predicted to lead to a truncated or absent protein. In summary, due to conflicting evidence the clinical significance of this variant is uncertain. ACMG/AMP Criteria applied: PVS1, PM3, BS1.

Dubai Health Genomic Medicine Center, Dubai Health
Classification: Uncertain significance. Last evaluated: 2019-12-26. Review status: criteria provided, single submitter. Criteria: ACMG Guidelines, 2015. Collection method: clinical testing. Allele origin: germline. Affected: yes.

HudsonAlpha Institute for Biotechnology
Classification: Likely pathogenic for Joubert syndrome 3. Last evaluated: 2019-01-08. Review status: criteria provided, single submitter. Criteria: ACMG Guidelines, 2015. Collection method: research. Allele origin: maternal. Affected: yes. Observed: 1 variant allele. Study: HudsonAlpha-AGHI-WGS.

GeneDx
Classification: Pathogenic. Last evaluated: 2017-02-13. Review status: criteria provided, single submitter. Criteria: GeneDx Variant Classification (06012015). Collection method: clinical testing. Allele origin: germline. Affected: yes.
Comment: The c.2988delA variant in the AHI1 gene has not been reported previously as a pathogenic variant nor as a benign variant, to our knowledge. The c.2988delA variant causes a frameshift starting with codon Valine 997, changes this amino acid to a Serine residue, and creates a premature Stop codon at position 20 of the new reading frame, denoted p.Val997SerfsX20. This variant is predicted to cause loss of normal protein function either through protein truncation or nonsense-mediated mRNA decay. The c.2988delA variant was not observed in approximately 5900 individuals of European and African American ancestry in the NHLBI Exome Sequencing Project, indicating it is not a common benign variant in these populations. We interpret c.2988delA as a pathogenic variant.

NIHR Bioresource Rare Diseases, University of Cambridge
Classification: Likely pathogenic for Retinitis pigmentosa. Last evaluated: 2015-01-01. Review status: no assertion criteria provided. Collection method: research. Allele origin: unknown. Affected: yes. Observed: 1 variant allele. Not counted in ClinVar's aggregate classification.

Literature cited by the submitters: PubMed 25133751 (cited by Women's Health and Genetics/Laboratory Corporation of America, LabCorp); PubMed 28041643 (cited by 3 submitters); PubMed 31980526 (cited by Women's Health and Genetics/Laboratory Corporation of America, LabCorp); PubMed 31589614 (cited by Women's Health and Genetics/Laboratory Corporation of America, LabCorp); PubMed 32581362 (cited by Women's Health and Genetics/Laboratory Corporation of America, LabCorp); PubMed 34191236 (cited by Women's Health and Genetics/Laboratory Corporation of America, LabCorp); PubMed 33502066 (cited by Women's Health and Genetics/Laboratory Corporation of America, LabCorp); PubMed 31964843 (cited by Women's Health and Genetics/Laboratory Corporation of America, LabCorp); PubMed 33879512 (cited by Women's Health and Genetics/Laboratory Corporation of America, LabCorp); PubMed 38219857 (cited by Women's Health and Genetics/Laboratory Corporation of America, LabCorp); PubMed 26940866 (cited by Women's Health and Genetics/Laboratory Corporation of America, LabCorp); PubMed 29263181 (cited by Women's Health and Genetics/Laboratory Corporation of America, LabCorp).